The following is an entry in ClinVar:

NM_015419.4(MXRA5):c.7666G>C (p.Ala2556Pro)

Gene: MXRA5 (matrix remodeling associated 5; minus strand). Cytogenetic location: Xp22.33.
Variant type: single nucleotide variant.
Coding change: c.7666G>C on transcript NM_015419.4 (MANE Select); coding-DNA position 7666, G replaced by C.
Protein change: p.Ala2556Pro; replaces alanine 2556 with proline.
Molecular consequence: missense variant.
Genome position (GRCh38, 1-based): chrX:3,310,537, C>G on the plus strand (G>C on the coding strand, the complement: MXRA5 is on the minus strand). VCF-style: chrX-3310537-C-G. GRCh37 (hg19) VCF-style: chrX-3228578-C-G.
Other names: short protein forms A2556P.
Identifiers: ClinVar variation 4554519 (VCV004554519.1).

ClinVar aggregate classification (germline): Uncertain significance (1 of 4 stars; one submission).

gnomAD v4.1: 11 of 1,189,630 alleles (0.00092%); highest among the groups gnomAD compares: African/African-American, 0.0018%; no homozygotes.

Submission:

Ambry Genetics
Classification: Uncertain significance. Last evaluated: 2025-11-03. Review status: criteria provided, single submitter. Criteria: Ambry Variant Classification Scheme 2023. Collection method: clinical testing. Allele origin: germline.
Comment: The c.7666G>C (p.A2556P) alteration is located in exon 7 (coding exon 6) of the MXRA5 gene. This alteration results from a G to C substitution at nucleotide position 7666, causing the alanine (A) at amino acid position 2556 to be replaced by a proline (P). Based on data from gnomAD, the C allele has an overall frequency of 0.001% (1/153224) total alleles studied. The highest observed frequency was 0.002% (1/66147) of European (non-Finnish) alleles. Based on insufficient or conflicting evidence, the clinical significance of this alteration remains unclear.